The following is an entry in ClinVar:

NM_015474.4(SAMHD1):c.1618del (p.Leu540fs)

Gene: SAMHD1 (SAM and HD domain containing deoxynucleoside triphosphate triphosphohydrolase 1; minus strand). Cytogenetic location: 20q11.23.
Variant type: Deletion.
Coding change: c.1618del on transcript NM_015474.4 (MANE Select); coding-DNA position 1618, one base deleted (C; older notation c.1618delC).
Protein change: p.Leu540fs; shifts the reading frame from leucine 540.
Molecular consequence: frameshift variant.
Genome position (GRCh38, 1-based): chr20:36,897,950, G deleted on the plus strand (C on the coding strand, the reverse complement: SAMHD1 is on the minus strand). VCF-style (leftmost placement, unchanged base first): chr20-36897949-AG-A. GRCh37 (hg19) VCF-style: chr20-35526352-AG-A.
Other names: c.1513del, p.Leu505fs (NM_001363729.2); c.1618del, p.Leu540fs (NM_001363733.2); short protein forms L505fs, L540fs.
Identifiers: ClinVar variation 2099143 (VCV002099143.4), dbSNP rs1336571464, ClinGen allele CA635403149.

ClinVar aggregate classification (germline): Pathogenic (1 of 4 stars; one submission).

Conditions:
Aicardi-Goutieres syndrome 5. Identifiers: Orphanet 51, MedGen C2749659, MONDO:0013059, OMIM 612952.

Allele frequency attached by ClinVar (database versions not stated): gnomAD exomes 0.00001.

Submission:

Labcorp Genetics (formerly Invitae), Labcorp
Classification: Pathogenic for Aicardi-Goutieres syndrome 5. Last evaluated: 2024-03-10. Review status: criteria provided, single submitter. Criteria: Invitae Variant Classification Sherloc (09022015). Collection method: clinical testing. Allele origin: germline.
Comment: This sequence change creates a premature translational stop signal (p.Leu540Phefs*10) in the SAMHD1 gene. It is expected to result in an absent or disrupted protein product. Loss-of-function variants in SAMHD1 are known to be pathogenic (PMID: 19525956, 22461318). This variant is present in population databases (no rsID available, gnomAD 0.0009%). This variant has not been reported in the literature in individuals affected with SAMHD1-related conditions. ClinVar contains an entry for this variant (Variation ID: 2099143). For these reasons, this variant has been classified as Pathogenic.

Literature cited by the submitters: PubMed 19525956; PubMed 22461318.